The following is an entry in ClinVar:

NM_001029883.3(PCARE):c.1308C>T (p.Ser436=)

Gene: PCARE (photoreceptor cilium actin regulator; minus strand). Cytogenetic location: 2p23.2.
Variant type: single nucleotide variant.
Coding change: c.1308C>T on transcript NM_001029883.3 (MANE Select); coding-DNA position 1308, C replaced by T.
Protein change: p.Ser436=; no amino-acid change (serine 436 retained).
Molecular consequence: synonymous variant.
Genome position (GRCh38, 1-based): chr2:29,072,954, G>A on the plus strand (C>T on the coding strand, the complement: PCARE is on the minus strand). VCF-style: chr2-29072954-G-A. GRCh37 (hg19) VCF-style: chr2-29295820-G-A.
Identifiers: ClinVar variation 2650786 (VCV002650786.24), dbSNP rs746963697, ClinGen allele CA1592454.

ClinVar aggregate classification (germline): Likely benign (1 of 4 stars; one submission).

Allele frequency attached by ClinVar (database versions not stated): ExAC 0.00001.

Submission:

CeGaT Center for Human Genetics Tuebingen
Classification: Likely benign. Last evaluated: 2022-08-01. Review status: criteria provided, single submitter. Criteria: CeGaT Center For Human Genetics Tuebingen Variant Classification Criteria Version 2. Collection method: clinical testing. Allele origin: germline. Affected: yes. Observed: 1 variant allele.
Comment: PCARE: BP4, BP7